The following is an entry in ClinVar:

ClinVar aggregate classification (germline): Pathogenic (1 of 4 stars; one submission).

Conditions:
Deficiency of alpha-mannosidase (MANSA). Also called: LYSOSOMAL ALPHA-D-MANNOSIDASE DEFICIENCY; Alpha-Mannosidosis; Mannosidosis, alpha-, types I and II. Identifiers: Orphanet 61, MedGen C0024748, MONDO:0009561, OMIM 248500.

Submission:

Labcorp Genetics (formerly Invitae), Labcorp
Classification: Pathogenic for Deficiency of alpha-mannosidase. Last evaluated: 2023-02-07. Review status: criteria provided, single submitter. Criteria: Invitae Variant Classification Sherloc (09022015). Collection method: clinical testing. Allele origin: unknown.
Comment: This variant is a gross deletion of the genomic region encompassing exon(s) 7-24 of the MAN2B1 gene, which includes the termination codon. This deletion extends beyond the assayed region for this gene and therefore may encompass additional genes. While this deletion is not anticipated to lead to nonsense mediated decay, it is expected to alter mRNA translation or result in a truncated protein product. This variant has not been reported in the literature in individuals affected with MAN2B1-related conditions. This variant disrupts a region of the MAN2B1 protein in which other variant(s) (p.Arg916His) have been determined to be pathogenic (PMID: 16919251, 21505070, 22161967). This suggests that this is a clinically significant region of the protein, and that variants that disrupt it are likely to be disease-causing. For these reasons, this variant has been classified as Pathogenic.

Literature cited by the submitters: PubMed 16919251; PubMed 21505070; PubMed 22161967.

NC_000019.9:g.(?_12757434)_(12772210_?)del

Gene: MAN2B1 (mannosidase alpha class 2B member 1; minus strand). Cytogenetic location: 19p13.2.
Variant type: Deletion.
Identifiers: ClinVar variation 3248399 (VCV003248399.1).